The following is an entry in ClinVar:

ClinVar aggregate classification (germline): Uncertain significance. Review status: criteria provided, multiple submitters, no conflicts (2 of 4 stars). 3 submissions from 3 submitters: Uncertain significance (3). Last evaluated 2024-08-05.

Conditions:
Epidermolysis bullosa simplex 5C, with pyloric atresia (EBS5C). Also called: PLEC1-Related Epidermolysis Bullosa with Pyloric Atresia; Epidermolysis bullosa simplex with pyloric atresia; PLEC-Related Epidermolysis Bullosa with Pyloric Atresia. Identifiers: Orphanet 158684, MedGen C2677349, MONDO:0012807, OMIM 612138.
Epidermolysis bullosa simplex 5B, with muscular dystrophy (EBS5B). Also called: EPIDERMOLYSIS BULLOSA SIMPLEX AND LIMB-GIRDLE MUSCULAR DYSTROPHY; Epidermolysis bullosa simplex with muscular dystrophy. Identifiers: Orphanet 257, MedGen C2931072, MONDO:0009181, OMIM 226670.
Epidermolysis bullosa simplex with nail dystrophy (EBS5D). Identifiers: MedGen C4225309, MONDO:0014661, OMIM 616487.
Epidermolysis bullosa simplex, Ogna type (EBS5A). Also called: Pidermolysis bullosa simplex 5A, Ogna type; EPIDERMOLYSIS BULLOSA SIMPLEX 5A, OGNA TYPE. Identifiers: Orphanet 79401, MedGen C0432317, MONDO:0007555, OMIM 131950.
Autosomal recessive limb-girdle muscular dystrophy type 2Q (LGMDR17). Also called: MUSCULAR DYSTROPHY, LIMB-GIRDLE, AUTOSOMAL RECESSIVE 17. Identifiers: Orphanet 254361, MedGen C3150989, MONDO:0013390, OMIM 613723.
Inborn genetic diseases. Identifiers: MedGen C0950123, MeSH D030342.

Allele frequency attached by ClinVar (database versions not stated): gnomAD 0.00004 and 0.00005; TOPMed 0.00005; ExAC 0.00006; ESP Exome Variant Server 0.00008; 1000 Genomes Project 30x 0.00016; 1000 Genomes Project 0.00020.
gnomAD v4.1: 59 of 1,613,160 alleles (0.0037%); highest among the groups gnomAD compares: East Asian, 0.045%; no homozygotes.

Submissions (3):

Labcorp Genetics (formerly Invitae), Labcorp
Classification: Uncertain significance for Autosomal recessive limb-girdle muscular dystrophy type 2Q; Epidermolysis bullosa simplex, Ogna type; Epidermolysis bullosa simplex with nail dystrophy; Epidermolysis bullosa simplex 5C, with pyloric atresia; Epidermolysis bullosa simplex 5B, with muscular dystrophy. Last evaluated: 2024-08-05. Review status: criteria provided, single submitter. Criteria: Invitae Variant Classification Sherloc (09022015). Collection method: clinical testing. Allele origin: germline.
Comment: This sequence change replaces threonine, which is neutral and polar, with methionine, which is neutral and non-polar, at codon 2447 of the PLEC protein (p.Thr2447Met). This variant is present in population databases (rs185064502, gnomAD 0.08%). This variant has not been reported in the literature in individuals affected with PLEC-related conditions. ClinVar contains an entry for this variant (Variation ID: 1037978). An algorithm developed to predict the effect of missense changes on protein structure and function (PolyPhen-2) suggests that this variant is likely to be disruptive. In summary, the available evidence is currently insufficient to determine the role of this variant in disease. Therefore, it has been classified as a Variant of Uncertain Significance.

Ambry Genetics
Classification: Uncertain significance for Inborn genetic diseases. Last evaluated: 2024-01-23. Review status: criteria provided, single submitter. Criteria: Ambry Variant Classification Scheme 2023. Collection method: clinical testing. Allele origin: germline.

Revvity Omics, Revvity
Classification: Uncertain significance. Last evaluated: 2023-04-01. Review status: criteria provided, single submitter. Criteria: ACMG Guidelines, 2015. Collection method: clinical testing. Allele origin: germline.

NM_201384.3(PLEC):c.7259C>T (p.Thr2420Met)

Gene: PLEC (plectin; minus strand). Cytogenetic location: 8q24.3.
Variant type: single nucleotide variant.
Coding change: c.7259C>T on transcript NM_201384.3 (MANE Select); coding-DNA position 7259, C replaced by T.
Protein change: p.Thr2420Met; replaces threonine 2420 with methionine.
Molecular consequence: missense variant.
Genome position (GRCh38, 1-based): chr8:143,922,670, G>A on the plus strand (C>T on the coding strand, the complement: PLEC is on the minus strand). VCF-style: chr8-143922670-G-A. GRCh37 (hg19) VCF-style: chr8-144996838-G-A.
Other names: c.7340C>T (NM_000445.3); c.7340C>T, p.Thr2447Met (NM_000445.5); c.7217C>T, p.Thr2406Met (NM_201378.4); c.7193C>T, p.Thr2398Met (NM_201379.3); c.7670C>T, p.Thr2557Met (NM_201380.4); c.7163C>T, p.Thr2388Met (NM_201381.3); c.7259C>T, p.Thr2420Met (NM_201382.4); c.7271C>T, p.Thr2424Met (NM_201383.3); short protein forms T2406M, T2424M, T2420M, T2398M, T2447M, T2557M, T2388M.
Identifiers: ClinVar variation 1037978 (VCV001037978.8), dbSNP rs185064502, ClinGen allele CA4925706.